The following is an entry in ClinVar:

ClinVar aggregate classification (germline): Uncertain significance (1 of 4 stars; one submission).

Submission:

Laboratory for Molecular Medicine, Mass General Brigham Personalized Medicine
Classification: Uncertain significance. Last evaluated: 2014-11-03. Review status: criteria provided, single submitter. Criteria: LMM Criteria. Collection method: clinical testing. Allele origin: germline. Observed: 1 variant allele.
Comment: The p.Lys205Gln variant in TNNI3 has not been previously reported in individuals with cardiomyopathy or in large population studies. Computational prediction to ols and conservation analysis do not provide strong support for or against an im pact to the protein. In summary, the clinical significance of the p.Lys205Gln va riant is uncertain.

NM_000363.5(TNNI3):c.613A>C (p.Lys205Gln)

Gene: TNNI3 (troponin I3, cardiac type; minus strand). Cytogenetic location: 19q13.42.
Variant type: single nucleotide variant.
Coding change: c.613A>C on transcript NM_000363.5 (MANE Select); coding-DNA position 613, A replaced by C.
Protein change: p.Lys205Gln; replaces lysine 205 with glutamine.
Molecular consequence: missense variant.
Genome position (GRCh38, 1-based): chr19:55,151,854, T>G on the plus strand (A>C on the coding strand, the complement: TNNI3 is on the minus strand). VCF-style: chr19-55151854-T-G. GRCh37 (hg19) VCF-style: chr19-55663222-T-G.
Other names: short protein forms K205Q.
Identifiers: ClinVar variation 180077 (VCV000180077.5), dbSNP rs727505331, ClinGen allele CA022066.